The following is an entry in ClinVar:

NM_005359.6(SMAD4):c.1151G>A (p.Gly384Asp)

Gene: SMAD4 (SMAD family member 4; plus strand). Cytogenetic location: 18q21.2.
Variant type: single nucleotide variant.
Coding change: c.1151G>A on transcript NM_005359.6 (MANE Select); coding-DNA position 1151, G replaced by A.
Protein change: p.Gly384Asp; replaces glycine 384 with aspartic acid.
Molecular consequence: missense variant. On other transcripts: non-coding transcript variant (1).
Genome position (GRCh38, 1-based): chr18:51,067,030, G>A. VCF-style: chr18-51067030-G-A. GRCh37 (hg19) VCF-style: chr18-48593400-G-A.
Other names: c.1151G>A, p.Gly384Asp (NM_001407041.1, NM_001407042.1); short protein forms G384D.
Identifiers: ClinVar variation 3798815 (VCV003798815.1).

ClinVar aggregate classification (germline): Uncertain significance (1 of 4 stars; one submission).

Conditions:
Familial thoracic aortic aneurysm and aortic dissection (TAAD). Also called: Thoracic aortic aneurysms and dissections. Identifiers: Orphanet 91387, MedGen C4707243, MONDO:0019625.
Hereditary cancer-predisposing syndrome. Also called: Neoplastic Syndromes, Hereditary; Hereditary Cancer Syndrome; Tumor predisposition; Hereditary neoplastic syndrome. Identifiers: Orphanet 140162, MedGen C0027672, MeSH D009386, MONDO:0015356.

Submission:

Ambry Genetics
Classification: Uncertain significance for Hereditary cancer-predisposing syndrome; Familial thoracic aortic aneurysm and aortic dissection. Last evaluated: 2025-02-07. Review status: criteria provided, single submitter. Criteria: Ambry Variant Classification Scheme 2023. Collection method: clinical testing. Allele origin: germline.
Comment: The p.G384D variant (also known as c.1151G>A), located in coding exon 9 of the SMAD4 gene, results from a G to A substitution at nucleotide position 1151. The glycine at codon 384 is replaced by aspartic acid, an amino acid with similar properties. This amino acid position is conserved. In addition, this alteration is predicted to be deleterious by in silico analysis. Based on the available evidence, the clinical significance of this variant remains unclear.